The following is an entry in ClinVar:

NM_005529.7(HSPG2):c.878G>A (p.Arg293His)

Gene: HSPG2 (heparan sulfate proteoglycan 2; minus strand). Cytogenetic location: 1p36.12.
Variant type: single nucleotide variant.
Coding change: c.878G>A on transcript NM_005529.7 (MANE Select); coding-DNA position 878, G replaced by A.
Protein change: p.Arg293His; replaces arginine 293 with histidine.
Molecular consequence: missense variant.
Genome position (GRCh38, 1-based): chr1:21,887,500, C>T on the plus strand (G>A on the coding strand, the complement: HSPG2 is on the minus strand). VCF-style: chr1-21887500-C-T. GRCh37 (hg19) VCF-style: chr1-22213993-C-T.
Other names: c.878G>A, p.Arg293His (NM_001291860.2); short protein forms R293H.
Identifiers: ClinVar variation 295904 (VCV000295904.14), dbSNP rs139873789, ClinGen allele CA673672.

ClinVar aggregate classification (germline): Conflicting classifications of pathogenicity. Review status: criteria provided, conflicting classifications (1 of 4 stars). 8 submissions from 6 submitters: Uncertain significance (7); Likely benign (1). Last evaluated 2024-02-06.

Conditions:
Lethal Kniest-like syndrome (DDSH). Also called: Dyssegmental Dysplasia. Identifiers: Orphanet 1865, MedGen C1857100, MONDO:0009140, OMIM 224410.
Schwartz-Jampel syndrome type 1 (SJS1). Also called: MYOTONIC MYOPATHY, DWARFISM, CHONDRODYSTROPHY, AND OCULAR AND FACIAL ABNORMALITIES; CHONDRODYSTROPHIC MYOTONIA. Identifiers: MedGen C4551479, MONDO:0100435, OMIM 255800.
Schwartz-Jampel syndrome. Also called: Myotonic myopathy dwarfism chondrodystrophy and ocular and facial abnormalities. Identifiers: Orphanet 800, MedGen C0036391, MONDO:0009717.
Inborn genetic diseases. Identifiers: MedGen C0950123, MeSH D030342.

Allele frequency attached by ClinVar (database versions not stated): ExAC 0.00008; gnomAD exomes 0.00014; 1000 Genomes Project 30x 0.00016; gnomAD 0.00017 and 0.00020; 1000 Genomes Project 0.00020; TOPMed 0.00025.
gnomAD v4.1: 210 of 1,613,972 alleles (0.013%); highest among the groups gnomAD compares: Admixed American, 0.075%; no homozygotes.

Submissions (8):

Fulgent Genetics
Classification: Uncertain significance for Lethal Kniest-like syndrome; Schwartz-Jampel syndrome type 1. Last evaluated: 2024-02-06. Review status: criteria provided, single submitter. Criteria: ACMG Guidelines, 2015. Collection method: clinical testing. Allele origin: germline.

Labcorp Genetics (formerly Invitae), Labcorp
Classification: Uncertain significance. Last evaluated: 2022-09-07. Review status: criteria provided, single submitter. Criteria: Invitae Variant Classification Sherloc (09022015). Collection method: clinical testing. Allele origin: germline.
Comment: This sequence change replaces arginine, which is basic and polar, with histidine, which is basic and polar, at codon 293 of the HSPG2 protein (p.Arg293His). This variant is present in population databases (rs139873789, gnomAD 0.04%). This variant has not been reported in the literature in individuals affected with HSPG2-related conditions. ClinVar contains an entry for this variant (Variation ID: 295904). Algorithms developed to predict the effect of missense changes on protein structure and function output the following: SIFT: "Tolerated"; PolyPhen-2: "Benign"; Align-GVGD: "Class C0". The histidine amino acid residue is found in multiple mammalian species, which suggests that this missense change does not adversely affect protein function. In summary, the available evidence is currently insufficient to determine the role of this variant in disease. Therefore, it has been classified as a Variant of Uncertain Significance.

Ambry Genetics
Classification: Likely benign for Inborn genetic diseases. Last evaluated: 2021-10-02. Review status: criteria provided, single submitter. Criteria: Ambry Variant Classification Scheme 2023. Collection method: clinical testing. Allele origin: germline.

Revvity Omics, Revvity
Classification: Uncertain significance. Last evaluated: 2019-02-20. Review status: criteria provided, single submitter. Criteria: ACMG Guidelines, 2015. Collection method: clinical testing. Allele origin: germline.

Fulgent Genetics
Classification: Uncertain significance for Lethal Kniest-like syndrome; Schwartz-Jampel syndrome type 1. Last evaluated: 2018-10-31. Review status: criteria provided, single submitter. Criteria: ACMG Guidelines, 2015. Collection method: clinical testing. Allele origin: unknown.

Illumina Laboratory Services, Illumina
Classification: Uncertain significance for Lethal Kniest-like syndrome. Last evaluated: 2018-01-13. Review status: criteria provided, single submitter. Criteria: ICSL Variant Classification Criteria 13 December 2019. Collection method: clinical testing. Allele origin: germline.

Illumina Laboratory Services, Illumina
Classification: Uncertain significance for Schwartz-Jampel syndrome type 1. Last evaluated: 2018-01-13. Review status: criteria provided, single submitter. Criteria: ICSL Variant Classification Criteria 13 December 2019. Collection method: clinical testing. Allele origin: germline.

Athena Diagnostics
Classification: Uncertain significance. Last evaluated: 2017-12-19. Review status: criteria provided, single submitter. Criteria: Athena Diagnostics Criteria. Collection method: clinical testing. Allele origin: germline.